The following is an entry in ClinVar:

NM_001165963.4(SCN1A):c.3260G>A (p.Gly1087Glu)

Genes: SCN1A (sodium voltage-gated channel alpha subunit 1; minus strand), LOC102724058 (uncharacterized LOC102724058; plus strand). Cytogenetic location: 2q24.3.
Variant type: single nucleotide variant.
Coding change: c.3260G>A on transcript NM_001165963.4 (MANE Select); coding-DNA position 3260, G replaced by A.
Protein change: p.Gly1087Glu; replaces glycine 1087 with glutamic acid.
Molecular consequence: missense variant. On other transcripts: non-coding transcript variant (2).
Genome position (GRCh38, 1-based): chr2:166,036,217, C>T on the plus strand (G>A on the coding strand, the complement: SCN1A is on the minus strand). VCF-style: chr2-166036217-C-T. GRCh37 (hg19) VCF-style: chr2-166892727-C-T.
Other names: c.3176G>A, p.Gly1059Glu (NM_001165964.3, NM_001353957.2, NM_001353958.2); c.3260G>A, p.Gly1087Glu (NM_001202435.3, NM_001353948.2); c.3227G>A, p.Gly1076Glu (NM_001353949.2, NM_001353950.2, NM_001353951.2 and 2 more transcripts); c.3224G>A, p.Gly1075Glu (NM_001353954.2, NM_001353955.2); c.3173G>A, p.Gly1058Glu (NM_001353960.2); c.818G>A, p.Gly273Glu (NM_001353961.2); c.3260G>A (NM_001165963.1); short protein forms G273E, G1075E, G1087E, G1058E, G1059E, G1076E.
Identifiers: ClinVar variation 3015292 (VCV003015292.4), dbSNP rs1234067672, ClinGen allele CA349059454.

ClinVar aggregate classification (germline): Uncertain significance. Review status: criteria provided, multiple submitters, no conflicts (2 of 4 stars). 2 submissions from 2 submitters: Uncertain significance (2). Last evaluated 2025-09-03.

Conditions:
Early-infantile DEE. Also called: Early infantile epileptic encephalopathy; Ohtahara syndrome; Early infantile epileptic encephalopathy with suppression bursts. Identifiers: Orphanet 1934, MedGen C0393706, MONDO:0800491.

Allele frequency attached by ClinVar (database versions not stated): gnomAD 0.00001; TOPMed below 0.00001.
gnomAD v4.1: 1 of 1,613,840 alleles (0.000062%); highest among the groups gnomAD compares: Non-Finnish European, 0.000085%; no homozygotes.

Submissions (2):

Labcorp Genetics (formerly Invitae), Labcorp
Classification: Uncertain significance for Early-infantile DEE. Last evaluated: 2025-09-03. Review status: criteria provided, single submitter. Criteria: Invitae Variant Classification Sherloc (09022015). Collection method: clinical testing. Allele origin: germline.
Comment: This sequence change replaces glycine, which is neutral and non-polar, with glutamic acid, which is acidic and polar, at codon 1087 of the SCN1A protein (p.Gly1087Glu). This variant is not present in population databases (gnomAD no frequency). This missense change has been observed in individuals with clinical features of autosomal dominant SCN1A-related conditions (PMID: 28202706; internal data). ClinVar contains an entry for this variant (Variation ID: 3015292). Invitae Evidence Modeling of protein sequence and biophysical properties (such as structural, functional, and spatial information, amino acid conservation, physicochemical variation, residue mobility, and thermodynamic stability) has been performed for this missense variant. However, the output from this modeling did not meet the statistical confidence thresholds required to predict the impact of this variant on SCN1A protein function. In summary, the available evidence is currently insufficient to determine the role of this variant in disease. Therefore, it has been classified as a Variant of Uncertain Significance.

GeneDx
Classification: Uncertain significance. Last evaluated: 2025-05-20. Review status: criteria provided, single submitter. Criteria: GeneDx Variant Classification Process June 2021. Collection method: clinical testing. Allele origin: germline. Affected: yes.
Comment: Reported in two individuals from the same family with epilepsy phenotypes including febrile seizures and generalized epilepsy with febrile seizures plus in published literature (PMID: 28202706); Not observed at significant frequency in large population cohorts (gnomAD); In silico analysis supports that this missense variant has a deleterious effect on protein structure/function; This substitution is predicted to be within the cytoplasmic loop between the second and third homologous domains; This variant is associated with the following publications: (PMID: 35074891, 28202706)

Literature cited by the submitters: PubMed 28202706 (cited by Labcorp Genetics (formerly Invitae), Labcorp).